The following is an entry in ClinVar:

NM_000223.4(KRT12):c.1387+8G>C

Gene: KRT12 (keratin 12; minus strand). Cytogenetic location: 17q21.2.
Variant type: single nucleotide variant.
Coding change: c.1387+8G>C on transcript NM_000223.4 (MANE Select); 8 bases into the intron after coding-DNA position 1387, G replaced by C.
Molecular consequence: intron variant.
Genome position (GRCh38, 1-based): chr17:40,862,557, C>G on the plus strand (G>C on the coding strand, the complement: KRT12 is on the minus strand). VCF-style: chr17-40862557-C-G. GRCh37 (hg19) VCF-style: chr17-39018809-C-G.
Identifiers: ClinVar variation 3054350 (VCV003054350.3), dbSNP rs755634260, ClinGen allele CA8548613.

ClinVar aggregate classification (germline): Likely benign. Review status: criteria provided, single submitter (1 of 4 stars). 2 submissions from 2 submitters: Likely benign (1). 1 of the submissions does not count toward it. Last evaluated 2025-06-13.

Conditions:
KRT12-related disorder. Also called: KRT12-related condition.

Allele frequency attached by ClinVar (database versions not stated): gnomAD 0.00001; gnomAD exomes 0.00001; ExAC 0.00002; TOPMed 0.00003.
gnomAD v4.1: 9 of 1,602,028 alleles (0.00056%); highest among the groups gnomAD compares: Admixed American, 0.005%; no homozygotes.

Submissions (2):

Labcorp Genetics (formerly Invitae), Labcorp
Classification: Likely benign. Last evaluated: 2025-06-13. Review status: criteria provided, single submitter. Criteria: Invitae Variant Classification Sherloc (09022015). Collection method: clinical testing. Allele origin: germline.

PreventionGenetics, part of Exact Sciences
Classification: Likely benign for KRT12-related condition. Last evaluated: 2020-06-05. Review status: no assertion criteria provided. Collection method: clinical testing. Allele origin: germline. Not counted in ClinVar's aggregate classification.
Comment: This variant is classified as likely benign based on ACMG/AMP sequence variant interpretation guidelines (Richards et al. 2015 PMID: 25741868, with internal and published modifications).